The following is an entry in ClinVar:

NM_000264.5(PTCH1):c.584+6G>A

Gene: PTCH1 (patched 1; minus strand). Cytogenetic location: 9q22.32.
Variant type: single nucleotide variant.
Coding change: c.584+6G>A on transcript NM_000264.5 (MANE Select); 6 bases into the intron after coding-DNA position 584, G replaced by A.
Molecular consequence: intron variant.
Genome position (GRCh38, 1-based): chr9:95,485,679, C>T on the plus strand (G>A on the coding strand, the complement: PTCH1 is on the minus strand). VCF-style: chr9-95485679-C-T. GRCh37 (hg19) VCF-style: chr9-98247961-C-T.
Other names: c.581+6G>A (NM_001083603.3); c.386+6G>A (NM_001083602.3, NM_001354919.2); c.584+6G>A (NM_001354918.2); c.131+6G>A (NM_001083605.3, NM_001083604.3, NM_001083606.3 and 1 more transcripts).
Identifiers: ClinVar variation 524639 (VCV000524639.11), dbSNP rs1282207631, ClinGen allele CA589581113.
Genomic context (GRCh38, chr9:95,485,679, plus strand): 5'-AAACCAGCAGCCTTCTCCCACCGCCTTACCTGCTGCTCATTAGTAGGTGGACGCGGCGGG[C>T]CTTACCTGTTGTACATGTATACATGGACACGGCTGGCCTGGAGTGCCGAGTCCAGGTGTT-3'

ClinVar aggregate classification (germline): Uncertain significance (1 of 4 stars; one submission).

Conditions:
Gorlin syndrome. Also called: Basal cell nevus syndrome; Nevoid Basal Cell Carcinoma Syndrome. Identifiers: Orphanet 377, MedGen C0004779, MONDO:0007187.

Allele frequency attached by ClinVar (database versions not stated): TOPMed below 0.00001; gnomAD 0.00001; gnomAD exomes 0.00001.
gnomAD v4.1: 4 of 1,613,922 alleles (0.00025%); highest among the groups gnomAD compares: Non-Finnish European, 0.00034%; no homozygotes.

Submission:

Labcorp Genetics (formerly Invitae), Labcorp
Classification: Uncertain significance for Gorlin syndrome. Last evaluated: 2022-07-19. Review status: criteria provided, single submitter. Criteria: Invitae Variant Classification Sherloc (09022015). Collection method: clinical testing. Allele origin: germline.
Comment: In summary, the available evidence is currently insufficient to determine the role of this variant in disease. Therefore, it has been classified as a Variant of Uncertain Significance. This sequence change falls in intron 3 of the PTCH1 gene. It does not directly change the encoded amino acid sequence of the PTCH1 protein. It affects a nucleotide within the consensus splice site. This variant is present in population databases (no rsID available, gnomAD 0.002%). This variant has not been reported in the literature in individuals affected with PTCH1-related conditions. ClinVar contains an entry for this variant (Variation ID: 524639). Variants that disrupt the consensus splice site are a relatively common cause of aberrant splicing (PMID: 17576681, 9536098). Algorithms developed to predict the effect of sequence changes on RNA splicing suggest that this variant is not likely to affect RNA splicing.

Literature cited by the submitters: PubMed 17576681; PubMed 9536098.